The following is an entry in ClinVar:

NM_198129.4(LAMA3):c.7159-1G>T

Gene: LAMA3 (laminin subunit alpha 3; plus strand). Cytogenetic location: 18q11.2.
Variant type: single nucleotide variant.
Coding change: c.7159-1G>T on transcript NM_198129.4 (MANE Select); the canonical splice acceptor site of the intron before coding-DNA position 7159, G replaced by T.
Molecular consequence: splice acceptor variant.
Genome position (GRCh38, 1-based): chr18:23,912,710, G>T. VCF-style: chr18-23912710-G-T. GRCh37 (hg19) VCF-style: chr18-21492674-G-T.
Other names: c.6991-1G>T (NM_001127717.4); c.2332-1G>T (NM_000227.6); c.2164-1G>T (NM_001127718.4).
Identifiers: ClinVar variation 2829446 (VCV002829446.3), dbSNP rs2511458400, ClinGen allele CA402055381.

ClinVar aggregate classification (germline): Likely pathogenic (1 of 4 stars; one submission).

Allele frequency attached by ClinVar (database versions not stated): gnomAD exomes below 0.00001.
gnomAD v4.1: 1 of 1,613,852 alleles (0.000062%); highest among the groups gnomAD compares: Non-Finnish European, 0.000085%; no homozygotes.

Submission:

Labcorp Genetics (formerly Invitae), Labcorp
Classification: Likely pathogenic. Last evaluated: 2023-01-17. Review status: criteria provided, single submitter. Criteria: Invitae Variant Classification Sherloc (09022015). Collection method: clinical testing. Allele origin: germline.
Comment: This variant has not been reported in the literature in individuals affected with LAMA3-related conditions. In summary, the currently available evidence indicates that the variant is pathogenic, but additional data are needed to prove that conclusively. Therefore, this variant has been classified as Likely Pathogenic. Algorithms developed to predict the effect of sequence changes on RNA splicing suggest that this variant may disrupt the consensus splice site. This variant is not present in population databases (gnomAD no frequency). This sequence change affects an acceptor splice site in intron 18 of the LAMA3 gene. It is expected to disrupt RNA splicing. Variants that disrupt the donor or acceptor splice site typically lead to a loss of protein function (PMID: 16199547), and loss-of-function variants in LAMA3 are known to be pathogenic (PMID: 10366601, 11810295, 12915477, 16473856, 17362460, 22434185, 23869449, 27827380, 28087116).

Literature cited by the submitters: PubMed 16199547; PubMed 10366601; PubMed 11810295; PubMed 12915477; PubMed 16473856; PubMed 17362460; PubMed 22434185; PubMed 23869449; PubMed 27827380; PubMed 28087116.